The following is an entry in ClinVar:

ClinVar aggregate classification (germline): Uncertain significance. Review status: criteria provided, multiple submitters, no conflicts (2 of 4 stars). 3 submissions from 3 submitters: Uncertain significance (2). 1 of the submissions does not count toward it. Last evaluated 2025-11-19.

Conditions:
Cardiovascular phenotype. Identifiers: MedGen CN230736.
Walker-Warburg congenital muscular dystrophy. Also called: Muscular dystrophy-dystroglycanopathy, type A; Walker-Warburg syndrome. Identifiers: Orphanet 899, MedGen C0265221, MONDO:0000171.
Autosomal recessive limb-girdle muscular dystrophy type 2I. Also called: MUSCULAR DYSTROPHY, LIMB-GIRDLE, TYPE 2I; MUSCULAR DYSTROPHY-DYSTROGLYCANOPATHY (LIMB-GIRDLE), TYPE C, 5; MUSCULAR DYSTROPHY-DYSTROGLYCANOPATHY, LIMB-GIRDLE, FRKP-RELATED. Identifiers: Orphanet 34515, MedGen C1846672, MONDO:0011787, OMIM 607155.

Allele frequency attached by ClinVar (database versions not stated): ExAC below 0.00001; TOPMed below 0.00001.
gnomAD v4.1: 6 of 1,541,796 alleles (0.00039%); highest among the groups gnomAD compares: Non-Finnish European, 0.00052%; no homozygotes.

Submissions (3):

Ambry Genetics
Classification: Uncertain significance for Cardiovascular phenotype. Last evaluated: 2025-11-19. Review status: criteria provided, single submitter. Criteria: Ambry Variant Classification Scheme 2023. Collection method: clinical testing. Allele origin: germline.

Labcorp Genetics (formerly Invitae), Labcorp
Classification: Uncertain significance for Walker-Warburg congenital muscular dystrophy. Last evaluated: 2022-08-09. Review status: criteria provided, single submitter. Criteria: Invitae Variant Classification Sherloc (09022015). Collection method: clinical testing. Allele origin: germline.
Comment: This sequence change replaces arginine, which is basic and polar, with glutamine, which is neutral and polar, at codon 176 of the FKRP protein (p.Arg176Gln). This variant is not present in population databases (gnomAD no frequency). This variant has not been reported in the literature in individuals affected with FKRP-related conditions. ClinVar contains an entry for this variant (Variation ID: 1001519). Algorithms developed to predict the effect of missense changes on protein structure and function are either unavailable or do not agree on the potential impact of this missense change (SIFT: "Tolerated"; PolyPhen-2: "Possibly Damaging"; Align-GVGD: "Class C0"). In summary, the available evidence is currently insufficient to determine the role of this variant in disease. Therefore, it has been classified as a Variant of Uncertain Significance.

Natera, Inc.
Classification: Uncertain significance for Limb-girdle muscular dystrophy type 2I. Last evaluated: 2021-07-04. Review status: no assertion criteria provided. Collection method: clinical testing. Allele origin: germline. Not counted in ClinVar's aggregate classification.

NM_024301.5(FKRP):c.527G>A (p.Arg176Gln)

Gene: FKRP (fukutin related protein; plus strand). Cytogenetic location: 19q13.32.
Variant type: single nucleotide variant.
Coding change: c.527G>A on transcript NM_024301.5 (MANE Select); coding-DNA position 527, G replaced by A.
Protein change: p.Arg176Gln; replaces arginine 176 with glutamine.
Molecular consequence: missense variant.
Genome position (GRCh38, 1-based): chr19:46,755,977, G>A. VCF-style: chr19-46755977-G-A. GRCh37 (hg19) VCF-style: chr19-47259234-G-A.
Other names: c.527G>A, p.Arg176Gln (NM_001039885.3); c.527G>A (NM_024301.4); short protein forms R176Q.
Identifiers: ClinVar variation 1001519 (VCV001001519.6), dbSNP rs755316345, ClinGen allele CA9532158.